The following is an entry in ClinVar:

ClinVar aggregate classification (germline): Uncertain significance (1 of 4 stars; one submission).

Conditions:
Hereditary cancer-predisposing syndrome. Also called: Tumor predisposition; Hereditary Cancer Syndrome; Hereditary neoplastic syndrome; Neoplastic Syndromes, Hereditary. Identifiers: Orphanet 140162, MedGen C0027672, MeSH D009386, MONDO:0015356.

Submission:

Ambry Genetics
Classification: Uncertain significance for Hereditary cancer-predisposing syndrome. Last evaluated: 2025-12-05. Review status: criteria provided, single submitter. Criteria: Ambry Variant Classification Scheme 2023. Collection method: clinical testing. Allele origin: germline.
Comment: The p.A1396V variant (also known as c.4187C>T), located in coding exon 29 of the ALK gene, results from a C to T substitution at nucleotide position 4187. The alanine at codon 1396 is replaced by valine, an amino acid with similar properties. This amino acid position is conserved. In addition, this alteration is predicted to be tolerated by in silico analysis. Based on the available evidence, the clinical significance of this variant remains unclear.

NM_004304.5(ALK):c.4187C>T (p.Ala1396Val)

Gene: ALK (ALK receptor tyrosine kinase; minus strand). Cytogenetic location: 2p23.2.
Variant type: single nucleotide variant.
Coding change: c.4187C>T on transcript NM_004304.5 (MANE Select); coding-DNA position 4187, C replaced by T.
Protein change: p.Ala1396Val; replaces alanine 1396 with valine.
Molecular consequence: missense variant.
Genome position (GRCh38, 1-based): chr2:29,193,900, G>A on the plus strand (C>T on the coding strand, the complement: ALK is on the minus strand). VCF-style: chr2-29193900-G-A. GRCh37 (hg19) VCF-style: chr2-29416766-G-A.
Other names: c.983C>T, p.Ala328Val (NM_001353765.2); short protein forms A328V, A1396V.
Identifiers: ClinVar variation 4543718 (VCV004543718.1).